The following is an entry in ClinVar:

ClinVar aggregate classification (germline): Conflicting classifications of pathogenicity. Review status: criteria provided, conflicting classifications (1 of 4 stars). 2 submissions from 2 submitters: Uncertain significance (1); Likely benign (1). Last evaluated 2024-12-16.

Conditions:
Inborn genetic diseases. Identifiers: MedGen C0950123, MeSH D030342.

Allele frequency attached by ClinVar (database versions not stated): gnomAD exomes 0.00007; ExAC 0.00010; gnomAD 0.00021; TOPMed 0.00029; ESP Exome Variant Server 0.00038.
gnomAD v4.1: 140 of 1,614,090 alleles (0.0087%); highest among the groups gnomAD compares: African/African-American, 0.072%; 2 homozygotes.

Submissions (2):

Labcorp Genetics (formerly Invitae), Labcorp
Classification: Uncertain significance. Last evaluated: 2024-12-16. Review status: criteria provided, single submitter. Criteria: Invitae Variant Classification Sherloc (09022015). Collection method: clinical testing. Allele origin: germline.
Comment: This sequence change replaces arginine, which is basic and polar, with histidine, which is basic and polar, at codon 509 of the H6PD protein (p.Arg509His). This variant is present in population databases (rs142705829, gnomAD 0.05%). This variant has not been reported in the literature in individuals affected with H6PD-related conditions. ClinVar contains an entry for this variant (Variation ID: 2183669). Invitae Evidence Modeling of protein sequence and biophysical properties (such as structural, functional, and spatial information, amino acid conservation, physicochemical variation, residue mobility, and thermodynamic stability) indicates that this missense variant is not expected to disrupt H6PD protein function with a negative predictive value of 80%. In summary, the available evidence is currently insufficient to determine the role of this variant in disease. Therefore, it has been classified as a Variant of Uncertain Significance.

Ambry Genetics
Classification: Likely benign for Inborn genetic diseases. Last evaluated: 2022-04-07. Review status: criteria provided, single submitter. Criteria: Ambry Variant Classification Scheme 2023. Collection method: clinical testing. Allele origin: germline.

NM_004285.4(H6PD):c.1526G>A (p.Arg509His)

Gene: H6PD (hexose-6-phosphate dehydrogenase/glucose 1-dehydrogenase; plus strand). Cytogenetic location: 1p36.22.
Variant type: single nucleotide variant.
Coding change: c.1526G>A on transcript NM_004285.4 (MANE Select); coding-DNA position 1526, G replaced by A.
Protein change: p.Arg509His; replaces arginine 509 with histidine.
Molecular consequence: missense variant.
Genome position (GRCh38, 1-based): chr1:9,264,019, G>A. VCF-style: chr1-9264019-G-A. GRCh37 (hg19) VCF-style: chr1-9324078-G-A.
Other names: c.1559G>A, p.Arg520His (NM_001282587.2); c.1526G>A (NM_004285.3); short protein forms R509H, R520H.
Identifiers: ClinVar variation 2183669 (VCV002183669.5), dbSNP rs142705829, ClinGen allele CA575331.
Genomic context (GRCh38, chr1:9,264,019, plus strand): 5'-TGCTGGAGAGCCTGGCCCATAAGGCCCCACGCCTCTACCCTGGAGGAGCTGAGAATGGCC[G>A]TCTGTTGGACTTTGAGTTCAGTAGCGGCCGGTTGTTCTTTTCCCAGCAGCAGCCGGAGCA-3'
Protein context (NP_004276.2, residues 499-519): RLYPGGAENG[Arg509His]LLDFEFSSGR